The following is an entry in ClinVar:

ClinVar aggregate classification (germline): Uncertain significance. Review status: criteria provided, multiple submitters, no conflicts (2 of 4 stars). 3 submissions from 3 submitters: Uncertain significance (3). Last evaluated 2024-11-18.

Conditions:
Desmin-related myofibrillar myopathy (MFM1). Also called: Myofibrillar myopathy 1; MYOFIBRILLAR MYOPATHY WITH ARRHYTHMOGENIC RIGHT VENTRICULAR CARDIOMYOPATHY; DESMIN-RELATED MYOPATHY WITH ARRHYTHMOGENIC RIGHT VENTRICULAR CARDIOMYOPATHY; Desminopathy; Desmin related myopathy (former name); Desmin storage myopathy (former name). Identifiers: Orphanet 363543, Orphanet 98909, MedGen C1832370, MONDO:0011076, OMIM 601419.

Allele frequency attached by ClinVar (database versions not stated): gnomAD exomes below 0.00001.
gnomAD v4.1: 7 of 1,614,164 alleles (0.00043%); highest among the groups gnomAD compares: Non-Finnish European, 0.00051%; no homozygotes.

Submissions (3):

Blueprint Genetics
Classification: Uncertain significance. Last evaluated: 2024-11-18. Review status: criteria provided, single submitter. Criteria: ACMG Guidelines, 2015. Collection method: clinical testing. Allele origin: germline.

Labcorp Genetics (formerly Invitae), Labcorp
Classification: Uncertain significance for Desmin-related myofibrillar myopathy. Last evaluated: 2023-11-24. Review status: criteria provided, single submitter. Criteria: Invitae Variant Classification Sherloc (09022015). Collection method: clinical testing. Allele origin: germline.
Comment: This sequence change replaces glutamic acid, which is acidic and polar, with lysine, which is basic and polar, at codon 234 of the DES protein (p.Glu234Lys). This variant is not present in population databases (gnomAD no frequency). This variant has not been reported in the literature in individuals affected with DES-related conditions. ClinVar contains an entry for this variant (Variation ID: 411150). Advanced modeling of protein sequence and biophysical properties (such as structural, functional, and spatial information, amino acid conservation, physicochemical variation, residue mobility, and thermodynamic stability) has been performed at Invitae for this missense variant, however the output from this modeling did not meet the statistical confidence thresholds required to predict the impact of this variant on DES protein function. In summary, the available evidence is currently insufficient to determine the role of this variant in disease. Therefore, it has been classified as a Variant of Uncertain Significance.

Women's Health and Genetics/Laboratory Corporation of America, LabCorp
Classification: Uncertain significance. Last evaluated: 2023-04-24. Review status: criteria provided, single submitter. Criteria: LabCorp Variant Classification Summary - May 2015. Collection method: clinical testing. Allele origin: germline.
Comment: Variant summary: DES c.700G>A (p.Glu234Lys) results in a conservative amino acid change located in the Intermediate filament, rod domain (IPR039008) of the encoded protein sequence. Four of five in-silico tools predict a damaging effect of the variant on protein function. The variant was absent in 251444 control chromosomes (gnomAD). The available data on variant occurrences in the general population are insufficient to allow any conclusion about variant significance. c.700G>A has been reported in the literature in one individual affected with Cardiomyopathy, however this individual also carried variants of uncertain significance in other genes (MYPN and CACNA1C) that may contribute to the observed phenotype (Chen_2017). Therefore, this report does not provide unequivocal conclusions about association of the variant with Cardiomyopathy. To our knowledge, no experimental evidence demonstrating an impact on protein function has been reported. One ClinVar submitter has assessed the variant since 2014: the variant was classified as uncertain significance. Based on the evidence outlined above, the variant was classified as uncertain significance.

Literature cited by the submitters: PubMed 28427417 (cited by Women's Health and Genetics/Laboratory Corporation of America, LabCorp).

NM_001927.4(DES):c.700G>A (p.Glu234Lys)

Gene: DES (desmin; plus strand). Cytogenetic location: 2q35.
Variant type: single nucleotide variant.
Coding change: c.700G>A on transcript NM_001927.4 (MANE Select); coding-DNA position 700, G replaced by A.
Protein change: p.Glu234Lys; replaces glutamic acid 234 with lysine.
Molecular consequence: missense variant.
Genome position (GRCh38, 1-based): chr2:219,420,311, G>A. VCF-style: chr2-219420311-G-A. GRCh37 (hg19) VCF-style: chr2-220285033-G-A.
Other names: c.700G>A (LRG_380t1); short protein forms E234K.
Identifiers: ClinVar variation 411150 (VCV000411150.7), dbSNP rs774739275, ClinGen allele CA16610620.
Genomic context (GRCh38, chr2:219,420,311, plus strand): 5'-GACGTGGATGCAGCTACTCTAGCTCGCATTGACCTGGAGCGCAGAATTGAATCTCTCAAC[G>A]AGGAGATCGCGTTCCTTAAGAAAGTGCATGAAGAGGTATACCTTGGCCCCTCTTCCTGGG-3'
Protein context (NP_001918.3, residues 224-244): DLERRIESLN[Glu234Lys]EIAFLKKVHE